The following is an entry in ClinVar:

ClinVar aggregate classification (germline): Likely benign (1 of 4 stars; one submission).

Submission:

CeGaT Center for Human Genetics Tuebingen
Classification: Likely benign. Last evaluated: 2026-08-01. Review status: criteria provided, single submitter. Criteria: CeGaT Center For Human Genetics Tuebingen Variant Classification Criteria Version 2. Collection method: clinical testing. Allele origin: germline. Affected: yes. Observed: 1 variant allele.
Comment: MARF1: PM2:Supporting, BP4, BP7

NM_014647.4(MARF1):c.1638C>A (p.Ile546=)

Gene: MARF1 (meiosis regulator and mRNA stability factor 1; minus strand). Cytogenetic location: 16p13.11.
Variant type: single nucleotide variant.
Coding change: c.1638C>A on transcript NM_014647.4 (MANE Select); coding-DNA position 1638, C replaced by A.
Protein change: p.Ile546=; no amino-acid change (isoleucine 546 retained).
Molecular consequence: synonymous variant.
Genome position (GRCh38, 1-based): chr16:15,625,687, G>T on the plus strand (C>A on the coding strand, the complement: MARF1 is on the minus strand). VCF-style: chr16-15625687-G-T. GRCh37 (hg19) VCF-style: chr16-15719544-G-T.
Other names: c.1635C>A, p.Ile545= (NM_001184998.2); c.1629C>A, p.Ile543= (NM_001184999.2).
Identifiers: ClinVar variation 5040171 (VCV005040171.1).
Genomic context (GRCh38, chr16:15,625,687, plus strand): 5'-CTTCTGAGCGCGCTCTGCACTATCTTGGTTTATGAAGCGGAGAATTGCACTGCAGCCTGT[G>T]ATACTCAGCACTTTCCCACCACAATTATCGGACAGGCGTCTGAGCCTGTTGCTGACGCTC-3'
Protein context (NP_055462.2, residues 536-556): SDNCGGKVLS[Ile546=]TGCSAILRFI